The following is an entry in ClinVar:

ClinVar aggregate classification (germline): Uncertain significance. Review status: criteria provided, multiple submitters, no conflicts (2 of 4 stars). 2 submissions from 2 submitters: Uncertain significance (2). Last evaluated 2021-11-06.

Conditions:
Dilated cardiomyopathy 1KK (CMD1KK). Identifiers: Orphanet 154, Orphanet 75249, MedGen C3714995, MONDO:0014100, OMIM 615248.
MYPN-related myopathy (CMYO24). Also called: Nemaline myopathy 11, autosomal recessive. Identifiers: MedGen C4479186, MONDO:0015023, OMIM 617336.

gnomAD v4.1: 2 of 1,613,640 alleles (0.00012%); highest among the groups gnomAD compares: Non-Finnish European, 0.00017%; no homozygotes.

Submissions (2):

Labcorp Genetics (formerly Invitae), Labcorp
Classification: Uncertain significance for Dilated cardiomyopathy 1KK. Last evaluated: 2021-11-06. Review status: criteria provided, single submitter. Criteria: Invitae Variant Classification Sherloc (09022015). Collection method: clinical testing. Allele origin: germline.
Comment: In summary, the available evidence is currently insufficient to determine the role of this variant in disease. Therefore, it has been classified as a Variant of Uncertain Significance. Algorithms developed to predict the effect of missense changes on protein structure and function are either unavailable or do not agree on the potential impact of this missense change (SIFT: "Tolerated"; PolyPhen-2: "Possibly Damaging"; Align-GVGD: "Class C0"). This variant has not been reported in the literature in individuals affected with MYPN-related conditions. This variant is not present in population databases (gnomAD no frequency). This sequence change replaces arginine, which is basic and polar, with glycine, which is neutral and non-polar, at codon 276 of the MYPN protein (p.Arg276Gly).

Fulgent Genetics
Classification: Uncertain significance for Dilated cardiomyopathy 1KK; MYPN-related myopathy. Last evaluated: 2021-09-28. Review status: criteria provided, single submitter. Criteria: ACMG Guidelines, 2015. Collection method: clinical testing. Allele origin: unknown.

NM_032578.4(MYPN):c.826C>G (p.Arg276Gly)

Gene: MYPN (myopalladin; plus strand). Cytogenetic location: 10q21.3.
Variant type: single nucleotide variant.
Coding change: c.826C>G on transcript NM_032578.4 (MANE Select); coding-DNA position 826, C replaced by G.
Protein change: p.Arg276Gly; replaces arginine 276 with glycine.
Molecular consequence: missense variant. On other transcripts: 5 prime UTR variant (1), non-coding transcript variant (1).
Genome position (GRCh38, 1-based): chr10:68,122,264, C>G. VCF-style: chr10-68122264-C-G. GRCh37 (hg19) VCF-style: chr10-69882021-C-G.
Other names: c.826C>G, p.Arg276Gly (NM_001256267.2); c.-297C>G (NM_001256268.2); short protein forms R276G.
Identifiers: ClinVar variation 1391743 (VCV001391743.5), dbSNP rs745678026, ClinGen allele CA377105187.